The following is an entry in ClinVar:

ClinVar aggregate classification (germline): Uncertain significance. Review status: criteria provided, multiple submitters, no conflicts (2 of 4 stars). 2 submissions from 2 submitters: Uncertain significance (2). Last evaluated 2025-12-29.

Conditions:
Inborn genetic diseases. Identifiers: MedGen C0950123, MeSH D030342.
Paroxysmal nonkinesigenic dyskinesia. Also called: Paroxysmal non-kinesigenic dyskinesia. Identifiers: Orphanet 98810, MedGen C1869117, MONDO:0700088.

Allele frequency attached by ClinVar (database versions not stated): gnomAD exomes below 0.00001; ExAC 0.00001.
gnomAD v4.1: 2 of 1,613,702 alleles (0.00012%); highest among the groups gnomAD compares: Non-Finnish European, 0.00017%; no homozygotes.

Submissions (2):

Labcorp Genetics (formerly Invitae), Labcorp
Classification: Uncertain significance for Paroxysmal nonkinesigenic dyskinesia. Last evaluated: 2025-12-29. Review status: criteria provided, single submitter. Criteria: Invitae Variant Classification Sherloc (09022015). Collection method: clinical testing. Allele origin: germline.
Comment: This sequence change replaces asparagine, which is neutral and polar, with lysine, which is basic and polar, at codon 267 of the PNKD protein (p.Asn267Lys). This variant is present in population databases (rs763028977, gnomAD no frequency). This variant has not been reported in the literature in individuals affected with PNKD-related conditions. ClinVar contains an entry for this variant (Variation ID: 3019369). Invitae Evidence Modeling of protein sequence and biophysical properties (such as structural, functional, and spatial information, amino acid conservation, physicochemical variation, residue mobility, and thermodynamic stability) indicates that this missense variant is not expected to disrupt PNKD protein function with a negative predictive value of 80%. In summary, the available evidence is currently insufficient to determine the role of this variant in disease. Therefore, it has been classified as a Variant of Uncertain Significance.

Ambry Genetics
Classification: Uncertain significance for Inborn genetic diseases. Last evaluated: 2025-04-20. Review status: criteria provided, single submitter. Criteria: Ambry Variant Classification Scheme 2023. Collection method: clinical testing. Allele origin: germline.

NM_015488.5(PNKD):c.801T>G (p.Asn267Lys)

Genes: CATIP-AS2 (CATIP antisense RNA 2; minus strand), PNKD (PNKD metallo-beta-lactamase domain containing; plus strand). Cytogenetic location: 2q35.
Variant type: single nucleotide variant.
Coding change: c.801T>G on transcript NM_015488.5 (MANE Select); coding-DNA position 801, T replaced by G.
Protein change: p.Asn267Lys; replaces asparagine 267 with lysine.
Molecular consequence: missense variant.
Genome position (GRCh38, 1-based): chr2:218,343,519, T>G. VCF-style: chr2-218343519-T-G. GRCh37 (hg19) VCF-style: chr2-219208242-T-G.
Other names: c.729T>G, p.Asn243Lys (NM_022572.5); short protein forms N267K, N243K.
Identifiers: ClinVar variation 3019369 (VCV003019369.4), dbSNP rs763028977, ClinGen allele CA2104114.